The following is an entry in ClinVar:

ClinVar aggregate classification (germline): Uncertain significance. Review status: criteria provided, multiple submitters, no conflicts (2 of 4 stars). 3 submissions from 3 submitters: Uncertain significance (3). Last evaluated 2022-07-17.

Conditions:
Cardiomyopathy (CMYO). Also called: Cardiomyopathies. Identifiers: Orphanet 167848, MedGen C0878544, MONDO:0004994, HP:0001638. Inheritance: Various modes of inheritance.
Hypertrophic cardiomyopathy. Also called: HYPERTROPHIC MYOCARDIOPATHY. Identifiers: Orphanet 217569, MedGen C0007194, MeSH D002312, MONDO:0005045, HP:0001639.

Submissions (3):

Labcorp Genetics (formerly Invitae), Labcorp
Classification: Uncertain significance for Hypertrophic cardiomyopathy. Last evaluated: 2022-07-17. Review status: criteria provided, single submitter. Criteria: Invitae Variant Classification Sherloc (09022015). Collection method: clinical testing. Allele origin: germline.
Comment: In summary, the available evidence is currently insufficient to determine the role of this variant in disease. Therefore, it has been classified as a Variant of Uncertain Significance. Algorithms developed to predict the effect of missense changes on protein structure and function (SIFT, PolyPhen-2, Align-GVGD) all suggest that this variant is likely to be disruptive. ClinVar contains an entry for this variant (Variation ID: 164026). This missense change has been observed in individual(s) with hypertrophic cardiomyopathy (PMID: 28356264, 30731207). This variant is not present in population databases (gnomAD no frequency). This sequence change replaces threonine, which is neutral and polar, with proline, which is neutral and non-polar, at codon 1237 of the MYBPC3 protein (p.Thr1237Pro).

CHEO Genetics Diagnostic Laboratory, Children's Hospital of Eastern Ontario
Classification: Uncertain significance for Cardiomyopathy. Last evaluated: 2021-08-09. Review status: criteria provided, single submitter. Criteria: ACMG Guidelines, 2015. Collection method: clinical testing. Allele origin: germline.

Laboratory for Molecular Medicine, Mass General Brigham Personalized Medicine
Classification: Uncertain significance. Last evaluated: 2013-09-18. Review status: criteria provided, single submitter. Criteria: LMM Criteria. Collection method: clinical testing. Allele origin: germline. Observed: 1 variant allele.
Comment: The Thr1237Pro variant in MYBPC3 has not been previously reported in individuals with cardiomyopathy or in large population studies. Computational analyses (bio chemical amino acid properties, conservation, AlignGVGD, PolyPhen2, and SIFT) do not provide strong support for or against an impact to the protein. Additional information is needed to fully assess the clinical significance of this variant.

Literature cited by the submitters: PubMed 28356264 (cited by Labcorp Genetics (formerly Invitae), Labcorp); PubMed 30731207 (cited by Labcorp Genetics (formerly Invitae), Labcorp).

NM_000256.3(MYBPC3):c.3709A>C (p.Thr1237Pro)

Gene: MYBPC3 (myosin binding protein C3; minus strand). Cytogenetic location: 11p11.2.
Variant type: single nucleotide variant.
Coding change: c.3709A>C on transcript NM_000256.3 (MANE Select); coding-DNA position 3709, A replaced by C.
Protein change: p.Thr1237Pro; replaces threonine 1237 with proline.
Molecular consequence: missense variant.
Genome position (GRCh38, 1-based): chr11:47,332,177, T>G on the plus strand (A>C on the coding strand, the complement: MYBPC3 is on the minus strand). VCF-style: chr11-47332177-T-G. GRCh37 (hg19) VCF-style: chr11-47353728-T-G.
Other names: short protein forms T1237P.
Identifiers: ClinVar variation 164026 (VCV000164026.12), dbSNP rs727503168, ClinGen allele CA014678.
Genomic context (GRCh38, chr11:47,332,177, plus strand): 5'-TGGTGGCCCTGCAGACATAGATGCCCCCGTCAAAGGGGCAGGGCTTTCTAATCTCCAGAG[T>G]CAACACTCCCTGCTTGCTGAACATGCGGAAGCGGGCGTCTTCTCCCAGGTCCAGGCCATT-3'
Protein context (NP_000247.2, residues 1227-1247): FRMFSKQGVL[Thr1237Pro]LEIRKPCPFD